The following is an entry in ClinVar:

NM_153676.4(USH1C):c.1107dup (p.Phe370fs)

Gene: USH1C (USH1 protein network component harmonin; minus strand). Cytogenetic location: 11p15.1.
Variant type: Duplication.
Coding change: c.1107dup on transcript NM_153676.4 (MANE Select); coding-DNA position 1107, one base duplicated (G; older notation c.1107dupG).
Protein change: p.Phe370fs; shifts the reading frame from phenylalanine 370.
Molecular consequence: frameshift variant. On other transcripts: non-coding transcript variant (1).
Genome position (GRCh38, 1-based): chr11:17,520,973, C duplicated on the plus strand (G on the coding strand, the reverse complement: USH1C is on the minus strand). VCF-style (leftmost placement, unchanged base first): chr11-17520972-A-AC. GRCh37 (hg19) VCF-style: chr11-17542519-A-AC.
Other names: c.1050dup, p.Phe351fs (NM_001297764.2); c.1107dup, p.Phe370fs (NM_005709.4); short protein forms F370fs, F351fs.
Identifiers: ClinVar variation 2867170 (VCV002867170.3), dbSNP rs2497139571, ClinGen allele CA2739276296.

ClinVar aggregate classification (germline): Pathogenic (1 of 4 stars; one submission).

Submission:

Labcorp Genetics (formerly Invitae), Labcorp
Classification: Pathogenic. Last evaluated: 2023-05-22. Review status: criteria provided, single submitter. Criteria: Invitae Variant Classification Sherloc (09022015). Collection method: clinical testing. Allele origin: germline.
Comment: For these reasons, this variant has been classified as Pathogenic. This variant has not been reported in the literature in individuals affected with USH1C-related conditions. This variant is not present in population databases (gnomAD no frequency). This sequence change creates a premature translational stop signal (p.Phe370Valfs*2) in the USH1C gene. It is expected to result in an absent or disrupted protein product. Loss-of-function variants in USH1C are known to be pathogenic (PMID: 10973247, 17407589, 20301442, 21203349).

Literature cited by the submitters: PubMed 10973247; PubMed 17407589; PubMed 20301442; PubMed 21203349.